The following is an entry in ClinVar:

NM_000051.4(ATM):c.1668_1669del (p.Lys556fs)

Gene: ATM (ATM serine/threonine kinase; plus strand). Cytogenetic location: 11q22.3.
Variant type: Deletion.
Coding change: c.1668_1669del on transcript NM_000051.4 (MANE Select); coding-DNA positions 1668 to 1669, 2 bases deleted (AA; older notation c.1668_1669delAA).
Protein change: p.Lys556fs; shifts the reading frame from lysine 556.
Molecular consequence: frameshift variant.
Genome position (GRCh38, 1-based): chr11:108,251,897-108,251,898, AA deleted; deleting any 2 consecutive bases within chr11:108,251,894-108,251,898 gives the same sequence; the c. name uses the placement nearest the transcript's 3' end. VCF-style (leftmost placement, unchanged base first): chr11-108251893-TAA-T. GRCh37 (hg19) VCF-style: chr11-108122620-TAA-T.
Other names: c.1668_1669del, p.Lys556fs (NM_001351834.2); short protein forms K556fs.
Identifiers: ClinVar variation 2774146 (VCV002774146.2), dbSNP rs2135340446, ClinGen allele CA2697549005.

ClinVar aggregate classification (germline): Pathogenic (1 of 4 stars; one submission).

Conditions:
Hereditary cancer-predisposing syndrome. Also called: Hereditary neoplastic syndrome; Hereditary Cancer Syndrome; Neoplastic Syndromes, Hereditary; Tumor predisposition. Identifiers: Orphanet 140162, MedGen C0027672, MeSH D009386, MONDO:0015356.

Submission:

Color Diagnostics, LLC DBA Color Health
Classification: Pathogenic for Hereditary cancer-predisposing syndrome. Last evaluated: 2021-08-23. Review status: criteria provided, single submitter. Criteria: ACMG Guidelines, 2015. Collection method: clinical testing. Allele origin: germline.
Comment: This variant deletes 2 nucleotides in exon 11 of the ATM gene, creating a frameshift and premature translation stop signal. This variant is expected to result in an absent or non-functional protein product. To our knowledge, this variant has not been reported in individuals affected with hereditary cancer in the literature. This variant has not been identified in the general population by the Genome Aggregation Database (gnomAD). Loss of ATM function is a known mechanism of disease. Based on the available evidence, this variant is classified as Pathogenic.